The following is an entry in ClinVar:

NM_005076.5(CNTN2):c.2356G>T (p.Val786Phe)

Gene: CNTN2 (contactin 2; plus strand). Cytogenetic location: 1q32.1.
Variant type: single nucleotide variant.
Coding change: c.2356G>T on transcript NM_005076.5 (MANE Select); coding-DNA position 2356, G replaced by T.
Protein change: p.Val786Phe; replaces valine 786 with phenylalanine.
Molecular consequence: missense variant. On other transcripts: non-coding transcript variant (1).
Genome position (GRCh38, 1-based): chr1:205,069,986, G>T. VCF-style: chr1-205069986-G-T. GRCh37 (hg19) VCF-style: chr1-205039114-G-T.
Other names: c.2356G>T, p.Val786Phe (NM_001346083.2); short protein forms V786F.
Identifiers: ClinVar variation 1525482 (VCV001525482.6), dbSNP rs780226583, ClinGen allele CA1351664.

ClinVar aggregate classification (germline): Uncertain significance (1 of 4 stars; one submission).

Conditions:
Epilepsy, familial adult myoclonic, 5 (EPEO5). Also called: CORTICAL MYOCLONIC TREMOR WITH EPILEPSY, FAMILIAL, 5. Identifiers: Orphanet 86814, MedGen C3809374, MONDO:0014167, OMIM 615400.

Allele frequency attached by ClinVar (database versions not stated): gnomAD exomes below 0.00001; ExAC 0.00001.
gnomAD v4.1: 25 of 1,613,584 alleles (0.0015%); highest among the groups gnomAD compares: Non-Finnish European, 0.0021%; no homozygotes.

Submission:

Labcorp Genetics (formerly Invitae), Labcorp
Classification: Uncertain significance for Epilepsy, familial adult myoclonic, 5. Last evaluated: 2023-07-07. Review status: criteria provided, single submitter. Criteria: Invitae Variant Classification Sherloc (09022015). Collection method: clinical testing. Allele origin: germline.
Comment: This sequence change replaces valine, which is neutral and non-polar, with phenylalanine, which is neutral and non-polar, at codon 786 of the CNTN2 protein (p.Val786Phe). In summary, the available evidence is currently insufficient to determine the role of this variant in disease. Therefore, it has been classified as a Variant of Uncertain Significance. Advanced modeling of protein sequence and biophysical properties (such as structural, functional, and spatial information, amino acid conservation, physicochemical variation, residue mobility, and thermodynamic stability) performed at Invitae indicates that this missense variant is not expected to disrupt CNTN2 protein function. ClinVar contains an entry for this variant (Variation ID: 1525482). This variant has not been reported in the literature in individuals affected with CNTN2-related conditions. This variant is present in population databases (rs780226583, gnomAD 0.002%).